The following is an entry in ClinVar:

ClinVar aggregate classification (germline): Uncertain significance. Review status: criteria provided, multiple submitters, no conflicts (2 of 4 stars). 4 submissions from 4 submitters: Uncertain significance (4). Last evaluated 2026-07-29.

Conditions:
Hereditary cancer-predisposing syndrome. Also called: Hereditary Cancer Syndrome; Neoplastic Syndromes, Hereditary; Hereditary neoplastic syndrome; Tumor predisposition. Identifiers: Orphanet 140162, MedGen C0027672, MeSH D009386, MONDO:0015356.
Familial adenomatous polyposis 1 (FAP1). Also called: FAMILIAL ADENOMATOUS POLYPOSIS 1, ATTENUATED; POLYPOSIS, ADENOMATOUS INTESTINAL. Identifiers: MedGen C2713442, MONDO:0021056, OMIM 175100. Disease mechanism: loss of function.

Submissions (4):

Ambry Genetics
Classification: Uncertain significance for Hereditary cancer-predisposing syndrome. Last evaluated: 2026-07-29. Review status: criteria provided, single submitter. Criteria: Ambry Variant Classification Scheme 2023. Collection method: clinical testing. Allele origin: germline.

Baylor Genetics
Classification: Uncertain significance for Familial adenomatous polyposis 1. Last evaluated: 2024-02-23. Review status: criteria provided, single submitter. Criteria: ACMG Guidelines, 2015. Collection method: clinical testing. Allele origin: unknown.

GeneDx
Classification: Uncertain significance. Last evaluated: 2022-05-05. Review status: criteria provided, single submitter. Criteria: GeneDx Variant Classification Process June 2021. Collection method: clinical testing. Allele origin: germline. Affected: yes.
Comment: Not observed at significant frequency in large population cohorts (gnomAD); In silico analysis supports that this missense variant does not alter protein structure/function; Has not been previously published as pathogenic or benign to our knowledge; This variant is associated with the following publications: (PMID: 18199528)

Labcorp Genetics (formerly Invitae), Labcorp
Classification: Uncertain significance for Familial adenomatous polyposis 1. Last evaluated: 2021-09-29. Review status: criteria provided, single submitter. Criteria: Invitae Variant Classification Sherloc (09022015). Collection method: clinical testing. Allele origin: germline.
Comment: This variant has not been reported in the literature in individuals affected with APC-related conditions. This variant is not present in population databases (ExAC no frequency). This sequence change replaces histidine with arginine at codon 1086 of the APC protein (p.His1086Arg). The histidine residue is highly conserved and there is a small physicochemical difference between histidine and arginine. In summary, the available evidence is currently insufficient to determine the role of this variant in disease. Therefore, it has been classified as a Variant of Uncertain Significance. Algorithms developed to predict the effect of missense changes on protein structure and function are either unavailable or do not agree on the potential impact of this missense change (SIFT: "Deleterious"; PolyPhen-2: "Benign"; Align-GVGD: "Class C0").

NM_000038.6(APC):c.3257A>G (p.His1086Arg)

Gene: APC (APC regulator of Wnt signaling pathway; plus strand). Cytogenetic location: 5q22.2.
Variant type: single nucleotide variant.
Coding change: c.3257A>G on transcript NM_000038.6 (MANE Select); coding-DNA position 3257, A replaced by G.
Protein change: p.His1086Arg; replaces histidine 1086 with arginine.
Molecular consequence: missense variant.
Genome position (GRCh38, 1-based): chr5:112,838,851, A>G. VCF-style: chr5-112838851-A-G. GRCh37 (hg19) VCF-style: chr5-112174548-A-G.
Other names: c.3173A>G, p.His1058Arg (NM_001354899.2); c.3134A>G, p.His1045Arg (NM_001354900.2); c.3080A>G, p.His1027Arg (NM_001354901.2); c.2984A>G, p.His995Arg (NM_001354902.2); c.2954A>G, p.His985Arg (NM_001354903.2); c.2879A>G, p.His960Arg (NM_001354904.2); c.2777A>G, p.His926Arg (NM_001354905.2); c.2408A>G, p.His803Arg (NM_001354906.2); and 5 more; short protein forms H1027R, H1045R, H1058R, H1061R, H926R, H960R, H1068R, H1104R.
Identifiers: ClinVar variation 1416880 (VCV001416880.9), dbSNP rs2149888108, ClinGen allele CA16028480.